The following is an entry in ClinVar:

NM_032188.3(KAT8):c.827T>A (p.Leu276Gln)

Gene: KAT8 (lysine acetyltransferase 8; plus strand). Cytogenetic location: 16p11.2.
Variant type: single nucleotide variant.
Coding change: c.827T>A on transcript NM_032188.3 (MANE Select); coding-DNA position 827, T replaced by A.
Protein change: p.Leu276Gln; replaces leucine 276 with glutamine.
Molecular consequence: missense variant.
Genome position (GRCh38, 1-based): chr16:31,130,072, T>A. VCF-style: chr16-31130072-T-A. GRCh37 (hg19) VCF-style: chr16-31141393-T-A.
Other names: c.827T>A, p.Leu276Gln (NM_182958.4); short protein forms L276Q.
Identifiers: ClinVar variation 2442738 (VCV002442738.2), dbSNP rs2544177201, ClinGen allele CA395676425.

ClinVar aggregate classification (germline): Uncertain significance (1 of 4 stars; one submission).

Submission:

GeneDx
Classification: Uncertain significance. Last evaluated: 2023-07-19. Review status: criteria provided, single submitter. Criteria: GeneDx Variant Classification Process June 2021. Collection method: clinical testing. Allele origin: germline. Affected: yes.
Comment: Not observed at significant frequency in large population cohorts (gnomAD); In silico analysis supports that this missense variant has a deleterious effect on protein structure/function; Has not been previously published as pathogenic or benign to our knowledge